The following is an entry in ClinVar:

NM_198525.3(KIF7):c.2658A>C (p.Ala886=)

Gene: KIF7 (kinesin family member 7; minus strand). Cytogenetic location: 15q26.1.
Variant type: single nucleotide variant.
Coding change: c.2658A>C on transcript NM_198525.3 (MANE Select); coding-DNA position 2658, A replaced by C.
Protein change: p.Ala886=; no amino-acid change (alanine 886 retained).
Molecular consequence: synonymous variant.
Genome position (GRCh38, 1-based): chr15:89,633,201, T>G on the plus strand (A>C on the coding strand, the complement: KIF7 is on the minus strand). VCF-style: chr15-89633201-T-G. GRCh37 (hg19) VCF-style: chr15-90176432-T-G.
Other names: p.Ala886=.
Identifiers: ClinVar variation 129413 (VCV000129413.36), dbSNP rs3803531, ClinGen allele CA020284.

ClinVar aggregate classification (germline): Benign. Review status: criteria provided, multiple submitters, no conflicts (2 of 4 stars). 17 submissions from 15 submitters: Benign (11). 6 of the submissions do not count toward it. Last evaluated 2026-02-04.

Conditions:
Acrocallosal syndrome (ACLS). Also called: HALLUX DUPLICATION, POSTAXIAL POLYDACTYLY, AND ABSENCE OF CORPUS CALLOSUM; Schinzel syndrome 1; Absence of corpus callosum with unusual facial appearance, mental deficiency, duplication of the halluces and polydactyly. Identifiers: Orphanet 36, MedGen C0796147, MONDO:0008708, OMIM 200990.
Hydrolethalus syndrome 2 (HLS2). Identifiers: Orphanet 2189, MedGen C3279899, MONDO:0013585, OMIM 614120.
Multiple epiphyseal dysplasia, Al-Gazali type. Also called: Macrocephaly with multiple epiphyseal dysplasia and distinctive facies. Identifiers: Orphanet 166024, MedGen C1846722, MONDO:0011778, OMIM 607131.

Allele frequency attached by ClinVar (database versions not stated): 1000 Genomes Project 0.79453; 1000 Genomes Project 30x 0.79872; TOPMed 0.83566; gnomAD 0.85103 and 0.85312; ESP Exome Variant Server 0.87048.
gnomAD v4.1: 1,430,253 of 1,603,078 alleles (89%); highest among the groups gnomAD compares: Non-Finnish European, 92%; 641,161 homozygotes.

Submissions (17):

Labcorp Genetics (formerly Invitae), Labcorp
Classification: Benign for Acrocallosal syndrome. Last evaluated: 2026-02-04. Review status: criteria provided, single submitter. Criteria: Invitae Variant Classification Sherloc (09022015). Collection method: clinical testing. Allele origin: germline.

Blueprint Genetics
Classification: Benign. Last evaluated: 2024-11-28. Review status: criteria provided, single submitter. Criteria: ACMG Guidelines, 2015. Collection method: clinical testing. Allele origin: germline.

Mayo Clinic Laboratories, Mayo Clinic
Classification: Benign. Last evaluated: 2022-03-09. Review status: criteria provided, single submitter. Criteria: ACMG Guidelines, 2015. Collection method: clinical testing. Allele origin: germline. Observed: 75 variant alleles.

Genome-Nilou Lab
Classification: Benign for Multiple epiphyseal dysplasia, Al-Gazali type. Last evaluated: 2021-08-19. Review status: criteria provided, single submitter. Criteria: ACMG Guidelines, 2015. Collection method: clinical testing. Allele origin: germline. Affected: no.

Genome-Nilou Lab
Classification: Benign for Hydrolethalus syndrome 2. Last evaluated: 2021-08-19. Review status: criteria provided, single submitter. Criteria: ACMG Guidelines, 2015. Collection method: clinical testing. Allele origin: germline. Affected: no.

Genome-Nilou Lab
Classification: Benign for Acrocallosal syndrome. Last evaluated: 2021-08-19. Review status: criteria provided, single submitter. Criteria: ACMG Guidelines, 2015. Collection method: clinical testing. Allele origin: germline. Affected: no.

Illumina Laboratory Services, Illumina
Classification: Benign for Acrocallosal syndrome. Last evaluated: 2018-01-13. Review status: criteria provided, single submitter. Criteria: ICSL Variant Classification Criteria 13 December 2019. Collection method: clinical testing. Allele origin: germline.
Comment: This variant was observed in the ICSL laboratory as part of a predisposition screen in an ostensibly healthy population. It had not been previously curated by ICSL or reported in the Human Gene Mutation Database (HGMD: prior to June 1st, 2018), and was therefore a candidate for classification through an automated scoring system. Utilizing variant allele frequency, disease prevalence and penetrance estimates, and inheritance mode, an automated score was calculated to assess if this variant is too frequent to cause the disease. Based on the score and internal cut-off values, a variant classified as benign is not then subjected to further curation. The score for this variant resulted in a classification of benign for this disease.

GeneDx
Classification: Benign. Last evaluated: 2015-03-03. Review status: criteria provided, single submitter. Criteria: GeneDx Variant Classification Process June 2021. Collection method: clinical testing. Allele origin: germline. Affected: yes.

Eurofins Ntd Llc (ga)
Classification: Benign. Last evaluated: 2014-12-22. Review status: criteria provided, single submitter. Criteria: EGL Classification Definitions 2015. Collection method: clinical testing. Allele origin: germline. Observed: 1 variant allele, 1 homozygote.

Breakthrough Genomics
Classification: Benign. Review status: criteria provided, single submitter. Criteria: ACMG Guidelines, 2015. Collection method: not provided. Allele origin: germline. Inheritance: Autosomal recessive inheritance. Affected: yes.

PreventionGenetics, part of Exact Sciences
Classification: Benign. Review status: criteria provided, single submitter. Criteria: ACMG Guidelines, 2015. Collection method: clinical testing. Allele origin: germline.

Clinical Genetics DNA and cytogenetics Diagnostics Lab, Erasmus MC, Erasmus Medical Center
Classification: Benign. Review status: no assertion criteria provided. Collection method: clinical testing. Allele origin: germline. Affected: yes. Study: VKGL Data-share Consensus. Not counted in ClinVar's aggregate classification.

Clinical Genetics, Academic Medical Center
Classification: Benign. Review status: no assertion criteria provided. Collection method: clinical testing. Allele origin: germline. Affected: yes. Study: VKGL Data-share Consensus. Not counted in ClinVar's aggregate classification.

Diagnostic Laboratory, Department of Genetics, University Medical Center Groningen
Classification: Benign. Review status: no assertion criteria provided. Collection method: clinical testing. Allele origin: germline. Affected: yes. Study: VKGL Data-share Consensus. Not counted in ClinVar's aggregate classification.

Genetic Services Laboratory, University of Chicago
Classification: Likely benign for AllHighlyPenetrant. Review status: no assertion criteria provided. Collection method: clinical testing. Allele origin: germline. Inheritance: Autosomal recessive inheritance. Not counted in ClinVar's aggregate classification.
Comment: Likely benign based on allele frequency in 1000 Genomes Project or ESP global frequency and its presence in a patient with a rare or unrelated disease phenotype. NOT Sanger confirmed.

Genome Diagnostics Laboratory, University Medical Center Utrecht
Classification: Benign. Review status: no assertion criteria provided. Collection method: clinical testing. Allele origin: germline. Affected: yes. Study: VKGL Data-share Consensus. Not counted in ClinVar's aggregate classification.

Joint Genome Diagnostic Labs from Nijmegen and Maastricht, Radboudumc and MUMC+
Classification: Benign. Review status: no assertion criteria provided. Collection method: clinical testing. Allele origin: germline. Affected: yes. Study: VKGL Data-share Consensus. Not counted in ClinVar's aggregate classification.